The following is an entry in ClinVar:

ClinVar aggregate classification (germline): Uncertain significance (1 of 4 stars; one submission).

Submission:

CeGaT Center for Human Genetics Tuebingen
Classification: Uncertain significance. Last evaluated: 2022-05-01. Review status: criteria provided, single submitter. Criteria: CeGaT Center For Human Genetics Tuebingen Variant Classification Criteria Version 2. Collection method: clinical testing. Allele origin: germline. Affected: yes. Observed: 1 variant allele.
Comment: SYNE2: PM2, BP4

NM_182914.3(SYNE2):c.20177G>C (p.Arg6726Pro)

Gene: SYNE2 (spectrin repeat containing nuclear envelope protein 2; plus strand). Cytogenetic location: 14q23.2.
Variant type: single nucleotide variant.
Coding change: c.20177G>C on transcript NM_182914.3 (MANE Select); coding-DNA position 20177, G replaced by C.
Protein change: p.Arg6726Pro; replaces arginine 6726 with proline.
Molecular consequence: missense variant.
Genome position (GRCh38, 1-based): chr14:64,221,691, G>C. VCF-style: chr14-64221691-G-C. GRCh37 (hg19) VCF-style: chr14-64688409-G-C.
Other names: c.20108G>C, p.Arg6703Pro (NM_015180.6); c.743G>C, p.Arg248Pro (NM_182910.2); c.1121G>C, p.Arg374Pro (NM_182913.4); short protein forms R248P, R374P, R6703P, R6726P.
Identifiers: ClinVar variation 2644312 (VCV002644312.24), dbSNP rs200847772, ClinGen allele CA389972988.